The following is an entry in ClinVar:

NM_012144.4(DNAI1):c.356G>A (p.Arg119Gln)

Gene: DNAI1 (dynein axonemal intermediate chain 1; plus strand). Cytogenetic location: 9p13.3.
Variant type: single nucleotide variant.
Coding change: c.356G>A on transcript NM_012144.4 (MANE Select); coding-DNA position 356, G replaced by A.
Protein change: p.Arg119Gln; replaces arginine 119 with glutamine.
Molecular consequence: missense variant.
Genome position (GRCh38, 1-based): chr9:34,489,417, G>A. VCF-style: chr9-34489417-G-A. GRCh37 (hg19) VCF-style: chr9-34489415-G-A.
Other names: c.356G>A, p.Arg119Gln (NM_001281428.2); short protein forms R119Q.
Identifiers: ClinVar variation 178762 (VCV000178762.7), dbSNP rs141704318, ClinGen allele CA182958.

ClinVar aggregate classification (germline): Uncertain significance. Review status: criteria provided, multiple submitters, no conflicts (2 of 4 stars). 3 submissions from 3 submitters: Uncertain significance (2). 1 of the submissions does not count toward it. Last evaluated 2021-08-31.

Conditions:
Primary ciliary dyskinesia. Also called: Ciliary dyskinesia. Identifiers: Orphanet 244, MedGen C0008780, MONDO:0016575, HP:0012265.

Allele frequency attached by ClinVar (database versions not stated): TOPMed 0.00008; gnomAD 0.00012 and 0.00014; ESP Exome Variant Server 0.00015.
gnomAD v4.1: 54 of 1,613,842 alleles (0.0033%); highest among the groups gnomAD compares: African/African-American, 0.029%; no homozygotes.

Submissions (3):

Labcorp Genetics (formerly Invitae), Labcorp
Classification: Uncertain significance for Primary ciliary dyskinesia. Last evaluated: 2021-08-31. Review status: criteria provided, single submitter. Criteria: Invitae Variant Classification Sherloc (09022015). Collection method: clinical testing. Allele origin: germline.
Comment: This sequence change replaces arginine with glutamine at codon 119 of the DNAI1 protein (p.Arg119Gln). The arginine residue is highly conserved and there is a small physicochemical difference between arginine and glutamine. This variant is present in population databases (rs141704318, ExAC 0.03%). This variant has not been reported in the literature in individuals affected with DNAI1-related conditions. ClinVar contains an entry for this variant (Variation ID: 178762). Algorithms developed to predict the effect of missense changes on protein structure and function (SIFT, PolyPhen-2, Align-GVGD) all suggest that this variant is likely to be tolerated. In summary, the available evidence is currently insufficient to determine the role of this variant in disease. Therefore, it has been classified as a Variant of Uncertain Significance.

Laboratory for Molecular Medicine, Mass General Brigham Personalized Medicine
Classification: Uncertain significance. Last evaluated: 2014-06-05. Review status: criteria provided, single submitter. Criteria: LMM Criteria. Collection method: clinical testing. Allele origin: germline. Observed: 1 variant allele.
Comment: The Arg119Gln variant in DNA1 has not been previously identified in individuals with pulmonary disease, but this variant has been identified in 2/4406 of Africa n American chromosomes by the NHLBI Exome Sequencing Project (dbSNP rs141704318). Computational prediction tools and evolutio nary conservation analysis do not provide strong support for or against an impac t to the protein. In summary, additional information is needed to fully assess t he clinical significance of the Arg119Gln variant.

Natera, Inc.
Classification: Uncertain significance for Primary ciliary dyskinesia. Last evaluated: 2020-01-27. Review status: no assertion criteria provided. Collection method: clinical testing. Allele origin: germline. Not counted in ClinVar's aggregate classification.